The following is an entry in ClinVar:

ClinVar aggregate classification (germline): Uncertain significance. Review status: criteria provided, multiple submitters, no conflicts (2 of 4 stars). 3 submissions from 3 submitters: Uncertain significance (3). Last evaluated 2025-08-07.

Conditions:
Progressive sclerosing poliodystrophy (MTDPS4A). Also called: NEURONAL DEGENERATION OF CHILDHOOD WITH LIVER DISEASE, PROGRESSIVE; Alpers Syndrome; ALPERS DIFFUSE DEGENERATION OF CEREBRAL GRAY MATTER WITH HEPATIC CIRRHOSIS; Alpers-Huttenlocher Syndrome; Mitochondrial DNA depletion syndrome 4A (Alpers type); Mitochondrial DNA Depletion Syndrome 4A. Identifiers: Orphanet 726, MedGen C0205710, MONDO:0008758, OMIM 203700.

Allele frequency attached by ClinVar (database versions not stated): gnomAD exomes below 0.00001; TOPMed below 0.00001.
gnomAD v4.1: 1 of 1,609,004 alleles (0.000062%); highest among the groups gnomAD compares: Admixed American, 0.0017%; no homozygotes.

Submissions (3):

Mayo Clinic Laboratories, Mayo Clinic
Classification: Uncertain significance. Last evaluated: 2025-08-07. Review status: criteria provided, single submitter. Criteria: ACMG Guidelines, 2015. Collection method: clinical testing. Allele origin: germline. Observed: 1 variant allele.
Comment: BP4

Women's Health and Genetics/Laboratory Corporation of America, LabCorp
Classification: Uncertain significance. Last evaluated: 2024-11-20. Review status: criteria provided, single submitter. Criteria: LabCorp Variant Classification Summary - May 2015. Collection method: clinical testing. Allele origin: germline.
Comment: Variant summary: POLG c.322C>G (p.Gln108Glu) results in a conservative amino acid change in the encoded protein sequence. Three of five in-silico tools predict a benign effect of the variant on protein function. The frequency data for this variant in gnomAD is considered unreliable, as metrics indicate poor data quality at this position. c.322C>G has been reported in the literature at a heterozygous state in one individual affected with Infantile Seizures (Salfati_2019). These report(s) do not provide unequivocal conclusions about association of the variant with Mitochondrial DNA Depletion Syndrome - POLG Related. To our knowledge, no experimental evidence demonstrating an impact on protein function has been reported. The following publication has been ascertained in the context of this evaluation (PMID: 31847883). ClinVar contains an entry for this variant (Variation ID: 1346838). Based on the evidence outlined above, the variant was classified as uncertain significance.

Labcorp Genetics (formerly Invitae), Labcorp
Classification: Uncertain significance for Progressive sclerosing poliodystrophy. Last evaluated: 2020-12-30. Review status: criteria provided, single submitter. Criteria: Invitae Variant Classification Sherloc (09022015). Collection method: clinical testing. Allele origin: germline.
Comment: In summary, the available evidence is currently insufficient to determine the role of this variant in disease. Therefore, it has been classified as a Variant of Uncertain Significance. Algorithms developed to predict the effect of missense changes on protein structure and function (SIFT, PolyPhen-2, Align-GVGD) all suggest that this variant is likely to be tolerated, but these predictions have not been confirmed by published functional studies and their clinical significance is uncertain. This variant has not been reported in the literature in individuals with POLG-related conditions. This variant is not present in population databases (ExAC no frequency). This sequence change replaces glutamine with glutamic acid at codon 108 of the POLG protein (p.Gln108Glu). The glutamine residue is weakly conserved and there is a small physicochemical difference between glutamine and glutamic acid.

Literature cited by the submitters: PubMed 31847883 (cited by Mayo Clinic Laboratories, Mayo Clinic and Women's Health and Genetics/Laboratory Corporation of America, LabCorp).

NM_002693.3(POLG):c.322C>G (p.Gln108Glu)

Genes: POLG (DNA polymerase gamma, catalytic subunit; minus strand), POLGARF (POLG alternative reading frame; minus strand). Cytogenetic location: 15q26.1.
Variant type: single nucleotide variant.
Coding change: c.322C>G on transcript NM_002693.3 (MANE Select); coding-DNA position 322, C replaced by G.
Protein change: p.Gln108Glu; replaces glutamine 108 with glutamic acid.
Molecular consequence: missense variant.
Genome position (GRCh38, 1-based): chr15:89,333,433, G>C on the plus strand (C>G on the coding strand, the complement: POLG is on the minus strand). VCF-style: chr15-89333433-G-C. GRCh37 (hg19) VCF-style: chr15-89876664-G-C.
Other names: p.Gln108Glu; c.322C>G, p.Gln108Glu (NM_001126131.2); c.322C>G (NM_002693.2); short protein forms Q108E.
Identifiers: ClinVar variation 1346838 (VCV001346838.9), dbSNP rs931281951, ClinGen allele CA393772757.
Genomic context (GRCh38, chr15:89,333,433, plus strand): 5'-GCAGGCGCAGCTCCACGTCGGGCAAGGGCACGGCTGGCTGCCCCCAGAGCCCGTGCTTCT[G>C]CAGGTGCTCGACGCTGCGGCGCACCGCGGCCTCGCCAGGCATCTCCCCTCCTTGCCCGAA-3'
Protein context (NP_002684.1, residues 98-118): AAVRRSVEHL[Gln108Glu]KHGLWGQPAV